The following is an entry in ClinVar:

ClinVar aggregate classification (germline): Uncertain significance (1 of 4 stars; one submission).

Conditions:
JAK2-related disorder. Also called: JAK2-related condition.

gnomAD v4.1: 3 of 1,479,036 alleles (0.0002%); highest among the groups gnomAD compares: East Asian, 0.0072%; no homozygotes.

Submission:

PreventionGenetics, part of Exact Sciences
Classification: Uncertain significance for JAK2-related condition. Last evaluated: 2026-08-04. Review status: criteria provided, single submitter. Criteria: ACMG Guidelines, 2015. Collection method: clinical testing. Allele origin: germline.
Comment: The JAK2 c.1324G>C variant is predicted to result in the amino acid substitution p.Glu442Gln. To our knowledge, this variant has not been reported in the literature. This variant is reported in 0.021% of alleles in individuals of East Asian descent in gnomAD. At this time, the clinical significance of this variant is uncertain due to the absence of conclusive functional and genetic evidence.

NM_004972.4(JAK2):c.1324G>C (p.Glu442Gln)

Genes: INSL6 (insulin like 6; minus strand), JAK2 (Janus kinase 2; plus strand). Cytogenetic location: 9p24.1.
Variant type: single nucleotide variant.
Coding change: c.1324G>C on transcript NM_004972.4 (MANE Select); coding-DNA position 1324, G replaced by C.
Protein change: p.Glu442Gln; replaces glutamic acid 442 with glutamine.
Molecular consequence: missense variant. On other transcripts: non-coding transcript variant (2).
Genome position (GRCh38, 1-based): chr9:5,066,787, G>C. VCF-style: chr9-5066787-G-C. GRCh37 (hg19) VCF-style: chr9-5066787-G-C.
Other names: c.1324G>C, p.Glu442Gln (NM_001322194.2, NM_001322195.2, NM_001322196.2); c.109G>C, p.Glu37Gln (NM_001322198.2, NM_001322199.2); c.877G>C, p.Glu293Gln (NM_001322204.2); short protein forms E293Q, E37Q, E442Q.
Identifiers: ClinVar variation 4996766 (VCV004996766.1).